The following is an entry in ClinVar:

ClinVar aggregate classification (germline): Pathogenic. Review status: reviewed by expert panel (3 of 4 stars). 3 submissions from 3 submitters: Pathogenic (1). 2 of the submissions do not count toward it. Last evaluated 2017-12-15.

Conditions:
Breast neoplasm. Also called: Neoplasm of the breast; Neoplasm of breast; Breast tumor; Breast Neoplasms. Identifiers: MedGen C1458155, MeSH D001943, MONDO:0021100, HP:0100013. Disease mechanism: gain of function.
Breast-ovarian cancer, familial, susceptibility to, 1 (BROVCA1). Also called: BRCA1 Hereditary Breast and Ovarian Cancer; OVARIAN CANCER, SUSCEPTIBILITY TO. Identifiers: Orphanet 145, MedGen C2676676, MONDO:0011450, OMIM 604370. Disease mechanism: loss of function.

Submissions (3):

Evidence-based Network for the Interpretation of Germline Mutant Alleles (ENIGMA)
Classification: Pathogenic for Breast-ovarian cancer, familial, susceptibility to, 1. Last evaluated: 2017-12-15. Review status: reviewed by expert panel. Criteria: ENIGMA BRCA1/2 Classification Criteria (2017-06-29). Collection method: curation. Allele origin: germline. Study: ENIGMA.
Comment: Variant allele predicted to encode a truncated non-functional protein.

Baylor Genetics
Classification: Pathogenic for Breast-ovarian cancer, familial, susceptibility to, 1. Last evaluated: 2022-12-14. Review status: criteria provided, single submitter. Criteria: ACMG Guidelines, 2015. Collection method: clinical testing. Allele origin: unknown. Not counted in ClinVar's aggregate classification.

Clinical and Functional Genomics Group, A.C.Camargo Cancer Center
Classification: Pathogenic for Breast Cancer. Review status: criteria provided, single submitter. Criteria: Silva et al. (BMC Med Genet. 2014). Collection method: research. Allele origin: germline. Affected: yes. Not counted in ClinVar's aggregate classification.

Literature cited by the submitters: PubMed 23469205 (cited by Clinical and Functional Genomics Group, A.C.Camargo Cancer Center).

NM_007294.4(BRCA1):c.4287C>A (p.Tyr1429Ter)

Gene: BRCA1 (BRCA1 DNA repair associated; minus strand). Cytogenetic location: 17q21.31.
Variant type: single nucleotide variant.
Coding change: c.4287C>A on transcript NM_007294.4 (MANE Select); coding-DNA position 4287, C replaced by A.
Protein change: p.Tyr1429Ter; replaces tyrosine 1429 with a stop codon.
Molecular consequence: nonsense. On other transcripts: non-coding transcript variant (1).
Genome position (GRCh38, 1-based): chr17:43,082,474, G>T on the plus strand (C>A on the coding strand, the complement: BRCA1 is on the minus strand). VCF-style: chr17-43082474-G-T. GRCh37 (hg19) VCF-style: chr17-41234491-G-T.
Other names: c.4284C>A, p.Tyr1428Ter (NM_001407611.1, NM_001407612.1, NM_001407613.1 and 21 more transcripts); c.4287C>A, p.Tyr1429Ter (NM_001407616.1, NM_001407617.1, NM_001407618.1 and 23 more transcripts); c.4281C>A, p.Tyr1427Ter (NM_001407630.1, NM_001407631.1, NM_001407632.1 and 5 more transcripts); c.4209C>A, p.Tyr1403Ter (NM_001407653.1, NM_001407654.1, NM_001407655.1 and 2 more transcripts); c.4206C>A, p.Tyr1402Ter (NM_001407656.1, NM_001407661.1, NM_001407662.1 and 1 more transcripts); c.4203C>A, p.Tyr1401Ter (NM_001407659.1, NM_001407660.1); c.4161C>A, p.Tyr1387Ter (NM_001407671.1, NM_001407672.1, NM_001407673.1 and 12 more transcripts); c.4164C>A, p.Tyr1388Ter (NM_001407677.1, NM_001407678.1, NM_001407679.1 and 13 more transcripts); and 51 more; short protein forms Y1429*, Y1382*, Y326*, Y1260*, Y1302*, Y1359*, Y1380*, Y1387*.
Identifiers: ClinVar variation 55161 (VCV000055161.4), dbSNP rs397509160, ClinGen allele CA002749.